The following is an entry in ClinVar:

ClinVar aggregate classification (germline): Uncertain significance. Review status: criteria provided, multiple submitters, no conflicts (2 of 4 stars). 2 submissions from 2 submitters: Uncertain significance (2). Last evaluated 2024-09-30.

Allele frequency attached by ClinVar (database versions not stated): ExAC 0.00001; gnomAD exomes 0.00001 and 0.00002; gnomAD 0.00001; TOPMed 0.00001.
gnomAD v4.1: 7 of 1,614,018 alleles (0.00043%); highest among the groups gnomAD compares: East Asian, 0.013%; no homozygotes.

Submissions (2):

Ambry Genetics
Classification: Uncertain significance. Last evaluated: 2024-09-30. Review status: criteria provided, single submitter. Criteria: Ambry Variant Classification Scheme 2023. Collection method: clinical testing. Allele origin: germline.
Comment: The p.P434T variant (also known as c.1300C>A), located in coding exon 7 of the GALNT12 gene, results from a C to A substitution at nucleotide position 1300. The proline at codon 434 is replaced by threonine, an amino acid with highly similar properties. This amino acid position is highly conserved in available vertebrate species. In addition, this alteration is predicted to be deleterious by in silico analysis. Since supporting evidence is limited at this time, the clinical significance of this alteration remains unclear.

Labcorp Genetics (formerly Invitae), Labcorp
Classification: Uncertain significance. Last evaluated: 2024-04-04. Review status: criteria provided, single submitter. Criteria: Invitae Variant Classification Sherloc (09022015). Collection method: clinical testing. Allele origin: germline.
Comment: This sequence change replaces proline, which is neutral and non-polar, with threonine, which is neutral and polar, at codon 434 of the GALNT12 protein (p.Pro434Thr). This variant is present in population databases (rs745821987, gnomAD 0.02%). This variant has not been reported in the literature in individuals affected with GALNT12-related conditions. ClinVar contains an entry for this variant (Variation ID: 818848). Advanced modeling of protein sequence and biophysical properties (such as structural, functional, and spatial information, amino acid conservation, physicochemical variation, residue mobility, and thermodynamic stability) performed at Invitae indicates that this missense variant is not expected to disrupt GALNT12 protein function with a negative predictive value of 80%. In summary, the available evidence is currently insufficient to determine the role of this variant in disease. Therefore, it has been classified as a Variant of Uncertain Significance.

NM_024642.5(GALNT12):c.1300C>A (p.Pro434Thr)

Gene: GALNT12 (polypeptide N-acetylgalactosaminyltransferase 12; plus strand). Cytogenetic location: 9q22.33.
Variant type: single nucleotide variant.
Coding change: c.1300C>A on transcript NM_024642.5 (MANE Select); coding-DNA position 1300, C replaced by A.
Protein change: p.Pro434Thr; replaces proline 434 with threonine.
Molecular consequence: missense variant.
Genome position (GRCh38, 1-based): chr9:98,840,089, C>A. VCF-style: chr9-98840089-C-A. GRCh37 (hg19) VCF-style: chr9-101602371-C-A.
Other names: short protein forms P434T.
Identifiers: ClinVar variation 818848 (VCV000818848.11), dbSNP rs745821987, ClinGen allele CA5154223.